The following is an entry in ClinVar:

ClinVar aggregate classification (germline): Uncertain significance (1 of 4 stars; one submission).

Allele frequency attached by ClinVar (database versions not stated): gnomAD exomes below 0.00001; TOPMed below 0.00001; ExAC 0.00002.
gnomAD v4.1: 4 of 1,614,044 alleles (0.00025%); highest among the groups gnomAD compares: East Asian, 0.0022%; no homozygotes.

Submission:

Labcorp Genetics (formerly Invitae), Labcorp
Classification: Uncertain significance. Last evaluated: 2022-07-27. Review status: criteria provided, single submitter. Criteria: Invitae Variant Classification Sherloc (09022015). Collection method: clinical testing. Allele origin: germline.
Comment: This sequence change replaces arginine, which is basic and polar, with glutamine, which is neutral and polar, at codon 1240 of the CAD protein (p.Arg1240Gln). This variant is present in population databases (rs761813123, gnomAD 0.006%). This variant has not been reported in the literature in individuals affected with CAD-related conditions. Algorithms developed to predict the effect of missense changes on protein structure and function output the following: SIFT: "Tolerated"; PolyPhen-2: "Benign"; Align-GVGD: "Class C0". The glutamine amino acid residue is found in multiple mammalian species, which suggests that this missense change does not adversely affect protein function. Algorithms developed to predict the effect of sequence changes on RNA splicing suggest that this variant may create or strengthen a splice site. In summary, the available evidence is currently insufficient to determine the role of this variant in disease. Therefore, it has been classified as a Variant of Uncertain Significance.

NM_004341.5(CAD):c.3719G>A (p.Arg1240Gln)

Gene: CAD (carbamoyl-phosphate synthetase 2, aspartate transcarbamylase, and dihydroorotase; plus strand). Cytogenetic location: 2p23.3.
Variant type: single nucleotide variant.
Coding change: c.3719G>A on transcript NM_004341.5 (MANE Select); coding-DNA position 3719, G replaced by A.
Protein change: p.Arg1240Gln; replaces arginine 1240 with glutamine.
Molecular consequence: missense variant.
Genome position (GRCh38, 1-based): chr2:27,234,618, G>A. VCF-style: chr2-27234618-G-A. GRCh37 (hg19) VCF-style: chr2-27457486-G-A.
Other names: c.3530G>A, p.Arg1177Gln (NM_001306079.2); short protein forms R1240Q, R1177Q.
Identifiers: ClinVar variation 2063026 (VCV002063026.1), dbSNP rs761813123, ClinGen allele CA1573342.